The following is an entry in ClinVar:

NM_001267550.2(TTN):c.69376G>C (p.Val23126Leu)

Genes: TTN (titin; minus strand), TTN-AS1 (TTN antisense RNA 1; plus strand). Cytogenetic location: 2q31.2.
Variant type: single nucleotide variant.
Coding change: c.69376G>C on transcript NM_001267550.2 (MANE Select); coding-DNA position 69376, G replaced by C.
Protein change: p.Val23126Leu; replaces valine 23126 with leucine.
Molecular consequence: missense variant.
Genome position (GRCh38, 1-based): chr2:178,576,959, C>G on the plus strand (G>C on the coding strand, the complement: TTN is on the minus strand). VCF-style: chr2-178576959-C-G. GRCh37 (hg19) VCF-style: chr2-179441686-C-G.
Other names: c.69376G>C (NM_001267550.1); c.64453G>C, p.Val21485Leu (NM_001256850.1); c.42181G>C, p.Val14061Leu (NM_003319.4); c.61672G>C, p.Val20558Leu (NM_133378.4); c.42556G>C, p.Val14186Leu (NM_133432.3); c.42757G>C, p.Val14253Leu (NM_133437.4); short protein forms V23126L, V14253L, V20558L, V14186L, V21485L, V14061L.
Identifiers: ClinVar variation 535229 (VCV000535229.7), dbSNP rs756671149, ClinGen allele CA61004345.

ClinVar aggregate classification (germline): Conflicting classifications of pathogenicity. Review status: criteria provided, conflicting classifications (1 of 4 stars). 5 submissions from 5 submitters: Uncertain significance (4); Likely benign (1). Last evaluated 2025-12-09.

Conditions:
Dilated cardiomyopathy 1G (CMD1G). Identifiers: Orphanet 154, MedGen C1858763, MONDO:0011400, OMIM 604145.
Autosomal recessive limb-girdle muscular dystrophy type 2J (LGMDR10). Also called: MUSCULAR DYSTROPHY, LIMB-GIRDLE, AUTOSOMAL RECESSIVE 10; Limb-girdle muscular dystrophy, type 2J. Identifiers: Orphanet 140922, MedGen C1837342, MONDO:0012127, OMIM 608807.
Myopathy, myofibrillar, 9, with early respiratory failure (MFM9). Also called: Myopathy, distal, with early respiratory failure, autosomal dominant; EDSTROM MYOPATHY; Hereditary myopathy with early respiratory failure; MYOPATHY, PROXIMAL, WITH EARLY RESPIRATORY MUSCLE INVOLVEMENT. Identifiers: Orphanet 178464, Orphanet 34521, MedGen C1863599, MONDO:0011362, OMIM 603689.
Early-onset myopathy with fatal cardiomyopathy (CMYO5). Also called: CONGENITAL MYOPATHY 5 WITH CARDIOMYOPATHY; Salih Myopathy. Identifiers: Orphanet 289377, MedGen C2673677, MONDO:0012714, OMIM 611705. Disease mechanism: loss of function.
Hypertrophic cardiomyopathy 9. Also called: Familial hypertrophic cardiomyopathy 9. Identifiers: MedGen C1861065, MONDO:0013412, OMIM 613765.
Tibial muscular dystrophy (TMD). Also called: Udd Distal Myopathy – Tibial Muscular Dystrophy; Tibial muscular dystrophy, tardive; UDD MYOPATHY. Identifiers: Orphanet 609, MedGen C1838244, MONDO:0010870, OMIM 600334.
TTN-related disorder. Also called: TTN-related condition; TTN-related disease; TTN-related disorders.

Allele frequency attached by ClinVar (database versions not stated): gnomAD 0.00004 and 0.00005; TOPMed 0.00008.
gnomAD v4.1: 16 of 1,613,292 alleles (0.00099%); highest among the groups gnomAD compares: Admixed American, 0.015%; no homozygotes.

Submissions (5):

PreventionGenetics, part of Exact Sciences
Classification: Uncertain significance for TTN-related condition. Last evaluated: 2025-12-09. Review status: criteria provided, single submitter. Criteria: ACMG Guidelines, 2015. Collection method: clinical testing. Allele origin: germline.
Comment: The TTN c.69376G>C variant is predicted to result in the amino acid substitution p.Val23126Leu. To our knowledge, this variant has not been reported in the literature. This variant is reported in 0.00089% of alleles in individuals of European (Non-Finnish) descent in gnomAD. At this time, the clinical significance of this variant is uncertain due to the absence of conclusive functional and genetic evidence.

GeneDx
Classification: Uncertain significance. Last evaluated: 2025-01-28. Review status: criteria provided, single submitter. Criteria: GeneDx Variant Classification Process June 2021. Collection method: clinical testing. Allele origin: germline. Affected: yes.
Comment: Not observed at significant frequency in large population cohorts (gnomAD); Missense variant in a gene in which most reported pathogenic variants are truncating/loss of function; Has not been previously published as pathogenic or benign to our knowledge

Blueprint Genetics
Classification: Likely benign. Last evaluated: 2024-10-14. Review status: criteria provided, single submitter. Criteria: ACMG Guidelines, 2015. Collection method: clinical testing. Allele origin: germline.

Fulgent Genetics
Classification: Uncertain significance for Tibial muscular dystrophy; Myopathy, myofibrillar, 9, with early respiratory failure; Dilated cardiomyopathy 1G; Autosomal recessive limb-girdle muscular dystrophy type 2J; Early-onset myopathy with fatal cardiomyopathy; Hypertrophic cardiomyopathy 9. Last evaluated: 2021-08-17. Review status: criteria provided, single submitter. Criteria: ACMG Guidelines, 2015. Collection method: clinical testing. Allele origin: unknown.

Labcorp Genetics (formerly Invitae), Labcorp
Classification: Uncertain significance for Dilated cardiomyopathy 1G; Autosomal recessive limb-girdle muscular dystrophy type 2J. Last evaluated: 2017-09-15. Review status: criteria provided, single submitter. Criteria: Invitae Variant Classification Sherloc (09022015). Collection method: clinical testing. Allele origin: germline.